The following is an entry in ClinVar:

ClinVar aggregate classification (germline): Uncertain significance (1 of 4 stars; one submission).

Conditions:
BAP1-related tumor predisposition syndrome (TPDS1). Also called: COMMON Syndrome; TUMOR PREDISPOSITION SYNDROME 1; Tumor susceptibility linked to germline BAP1 mutations; BAP1 tumor predisposition syndrome. Identifiers: Orphanet 289539, MedGen C3280492, MONDO:0013692, OMIM 614327.

Submission:

Labcorp Genetics (formerly Invitae), Labcorp
Classification: Uncertain significance for BAP1-related tumor predisposition syndrome. Last evaluated: 2022-08-16. Review status: criteria provided, single submitter. Criteria: Invitae Variant Classification Sherloc (09022015). Collection method: clinical testing. Allele origin: germline.
Comment: In summary, the available evidence is currently insufficient to determine the role of this variant in disease. Therefore, it has been classified as a Variant of Uncertain Significance. Algorithms developed to predict the effect of missense changes on protein structure and function are either unavailable or do not agree on the potential impact of this missense change (SIFT: "Tolerated"; PolyPhen-2: "Probably Damaging"; Align-GVGD: "Class C0"). ClinVar contains an entry for this variant (Variation ID: 1524643). This variant has not been reported in the literature in individuals affected with BAP1-related conditions. This variant is not present in population databases (gnomAD no frequency). This sequence change replaces glutamic acid, which is acidic and polar, with aspartic acid, which is acidic and polar, at codon 242 of the BAP1 protein (p.Glu242Asp).

NM_004656.4(BAP1):c.726G>C (p.Glu242Asp)

Gene: BAP1 (BRCA1 associated deubiquitinase 1; minus strand). Cytogenetic location: 3p21.1.
Variant type: single nucleotide variant.
Coding change: c.726G>C on transcript NM_004656.4 (MANE Select); coding-DNA position 726, G replaced by C.
Protein change: p.Glu242Asp; replaces glutamic acid 242 with aspartic acid.
Molecular consequence: missense variant.
Genome position (GRCh38, 1-based): chr3:52,406,310, C>G on the plus strand (G>C on the coding strand, the complement: BAP1 is on the minus strand). VCF-style: chr3-52406310-C-G. GRCh37 (hg19) VCF-style: chr3-52440326-C-G.
Other names: short protein forms E242D.
Identifiers: ClinVar variation 1524643 (VCV001524643.6), dbSNP rs1578225132, ClinGen allele CA353107248.